The following is an entry in ClinVar:

NM_032217.5(ANKRD17):c.4548A>G (p.Gln1516=)

Gene: ANKRD17 (ankyrin repeat domain 17; minus strand). Cytogenetic location: 4q13.3.
Variant type: single nucleotide variant.
Coding change: c.4548A>G on transcript NM_032217.5 (MANE Select); coding-DNA position 4548, A replaced by G.
Protein change: p.Gln1516=; no amino-acid change (glutamine 1516 retained).
Molecular consequence: synonymous variant.
Genome position (GRCh38, 1-based): chr4:73,102,401, T>C on the plus strand (A>G on the coding strand, the complement: ANKRD17 is on the minus strand). VCF-style: chr4-73102401-T-C. GRCh37 (hg19) VCF-style: chr4-73968118-T-C.
Other names: c.4209A>G, p.Gln1403= (NM_001286771.3); c.4545A>G, p.Gln1515= (NM_015574.2); c.3795A>G, p.Gln1265= (NM_198889.3).
Identifiers: ClinVar variation 2654817 (VCV002654817.24), dbSNP rs531657552, ClinGen allele CA2958316.

ClinVar aggregate classification (germline): Likely benign (1 of 4 stars; one submission).

Allele frequency attached by ClinVar (database versions not stated): TOPMed below 0.00001; gnomAD 0.00003; 1000 Genomes Project 30x 0.00016; gnomAD exomes 0.00016; 1000 Genomes Project 0.00020; ExAC 0.00035.
gnomAD v4.1: 226 of 1,590,016 alleles (0.014%); highest among the groups gnomAD compares: South Asian, 0.24%; 1 homozygote.

Submission:

CeGaT Center for Human Genetics Tuebingen
Classification: Likely benign. Last evaluated: 2023-05-01. Review status: criteria provided, single submitter. Criteria: CeGaT Center For Human Genetics Tuebingen Variant Classification Criteria Version 2. Collection method: clinical testing. Allele origin: germline. Affected: yes. Observed: 1 variant allele.
Comment: ANKRD17: BP4, BS1